The following is an entry in ClinVar:

ClinVar aggregate classification (germline): Uncertain significance. Review status: criteria provided, multiple submitters, no conflicts (2 of 4 stars). 2 submissions from 2 submitters: Uncertain significance (2). Last evaluated 2025-02-12.

Conditions:
Developmental and epileptic encephalopathy, 42 (DEE42A). Also called: Epileptic encephalopathy, early infantile, 42; DEVELOPMENTAL AND EPILEPTIC ENCEPHALOPATHY 42A; EPILEPTIC ENCEPHALOPATHY, EARLY INFANTILE, 42A. Identifiers: MedGen C4310716, MONDO:0014917, OMIM 617106.
Episodic ataxia type 2 (EA2). Also called: EPISODIC ATAXIA, NYSTAGMUS-ASSOCIATED; ACETAZOLAMIDE-RESPONSIVE HEREDITARY PAROXYSMAL CEREBELLAR ATAXIA; ATAXIA, EPISODIC, WITH NYSTAGMUS; ATAXIA, FAMILIAL PAROXYSMAL; CEREBELLAR ATAXIA, PAROXYSMAL, ACETAZOLAMIDE-RESPONSIVE; CEREBELLOPATHY, HEREDITARY PAROXYSMAL. Identifiers: Orphanet 97, MedGen C1720416, MONDO:0007163, OMIM 108500.

Allele frequency attached by ClinVar (database versions not stated): gnomAD exomes below 0.00001.
gnomAD v4.1: 1 of 1,571,512 alleles (0.000064%); highest among the groups gnomAD compares: Non-Finnish European, 0.000086%; no homozygotes.

Submissions (2):

Labcorp Genetics (formerly Invitae), Labcorp
Classification: Uncertain significance for Developmental and epileptic encephalopathy, 42; Episodic ataxia type 2. Last evaluated: 2025-02-12. Review status: criteria provided, single submitter. Criteria: Invitae Variant Classification Sherloc (09022015). Collection method: clinical testing. Allele origin: germline.
Comment: This sequence change replaces histidine, which is basic and polar, with tyrosine, which is neutral and polar, at codon 2021 of the CACNA1A protein (p.His2021Tyr). This variant is not present in population databases (gnomAD no frequency). This variant has not been reported in the literature in individuals affected with CACNA1A-related conditions. ClinVar contains an entry for this variant (Variation ID: 1386805). Invitae Evidence Modeling of protein sequence and biophysical properties (such as structural, functional, and spatial information, amino acid conservation, physicochemical variation, residue mobility, and thermodynamic stability) indicates that this missense variant is not expected to disrupt CACNA1A protein function with a negative predictive value of 95%. In summary, the available evidence is currently insufficient to determine the role of this variant in disease. Therefore, it has been classified as a Variant of Uncertain Significance.

GeneDx
Classification: Uncertain significance. Last evaluated: 2025-01-31. Review status: criteria provided, single submitter. Criteria: GeneDx Variant Classification Process June 2021. Collection method: clinical testing. Allele origin: germline.
Comment: Not observed at significant frequency in large population cohorts (gnomAD); In silico analysis indicates that this missense variant does not alter protein structure/function; Has not been previously published as pathogenic or benign to our knowledge

NM_001127222.2(CACNA1A):c.6058C>T (p.His2020Tyr)

Gene: CACNA1A (calcium voltage-gated channel subunit alpha1 A; minus strand). Cytogenetic location: 19p13.13.
Variant type: single nucleotide variant.
Coding change: c.6058C>T on transcript NM_001127222.2 (MANE Select); coding-DNA position 6058, C replaced by T.
Protein change: p.His2020Tyr; replaces histidine 2020 with tyrosine.
Molecular consequence: missense variant.
Genome position (GRCh38, 1-based): chr19:13,212,515, G>A on the plus strand (C>T on the coding strand, the complement: CACNA1A is on the minus strand). VCF-style: chr19-13212515-G-A. GRCh37 (hg19) VCF-style: chr19-13323329-G-A.
Other names: c.6076C>T, p.His2026Tyr (NM_000068.4, NM_023035.3); c.6061C>T, p.His2021Tyr (NM_001127221.2); c.6067C>T, p.His2023Tyr (NM_001174080.2); c.6061C>T (NM_001127221.1); short protein forms H2020Y, H2021Y, H2023Y, H2026Y.
Identifiers: ClinVar variation 1386805 (VCV001386805.7), dbSNP rs2144525195, ClinGen allele CA404333184.